The following is an entry in ClinVar:

ClinVar aggregate classification (germline): Uncertain significance (1 of 4 stars; one submission).

gnomAD v4.1: 15 of 1,589,466 alleles (0.00094%); highest among the groups gnomAD compares: Non-Finnish European, 0.0013%; no homozygotes.

Submission:

Ambry Genetics
Classification: Uncertain significance. Last evaluated: 2026-03-17. Review status: criteria provided, single submitter. Criteria: Ambry Variant Classification Scheme 2023. Collection method: clinical testing. Allele origin: germline.
Comment: The p.Q190R variant (also known as c.569A>G), located in coding exon 5 of the RAD51B gene, results from an A to G substitution at nucleotide position 569. The glutamine at codon 190 is replaced by arginine, an amino acid with highly similar properties. This amino acid position is conserved. In addition, this alteration is predicted to be tolerated by in silico analysis. Based on the available evidence, the clinical significance of this variant remains unclear.

NM_133510.4(RAD51B):c.569A>G (p.Gln190Arg)

Gene: RAD51B (RAD51 paralog B; plus strand). Cytogenetic location: 14q24.1.
Variant type: single nucleotide variant.
Coding change: c.569A>G on transcript NM_133510.4 (MANE Select); coding-DNA position 569, A replaced by G.
Protein change: p.Gln190Arg; replaces glutamine 190 with arginine.
Molecular consequence: missense variant.
Genome position (GRCh38, 1-based): chr14:67,885,985, A>G. VCF-style: chr14-67885985-A-G. GRCh37 (hg19) VCF-style: chr14-68352702-A-G.
Other names: c.569A>G, p.Gln190Arg (NM_001321809.2, NM_001321810.2, NM_001321812.1 and 6 more transcripts); c.455A>G, p.Gln152Arg (NM_001321815.1); c.212A>G, p.Gln71Arg (NM_001321817.2); short protein forms Q152R, Q190R, Q71R.
Identifiers: ClinVar variation 4862875 (VCV004862875.1).
Genomic context (GRCh38, chr14:67,885,985, plus strand): 5'-TACTTTTGACAAGTAGTAAAGTTCATCTTTATCGGGAACTCACCTGTGATGAAGTTCTAC[A>G]AAGGTATGCTGCTTTAGATTTTGATTTTTTAGTAATGCGTTGAAGGTTTATGTTTTATCT-3'
Protein context (NP_598194.1, residues 180-200): YRELTCDEVL[Gln190Arg]RIESLEEEII